The following is an entry in ClinVar:

NM_000218.3(KCNQ1):c.1394-5130T>G

Genes: KCNQ1 (potassium voltage-gated channel subfamily Q member 1; plus strand), KCNQ1OT1 (KCNQ1 opposite strand/antisense transcript 1; minus strand). Cytogenetic location: 11p15.5.
Variant type: single nucleotide variant.
Coding change: c.1394-5130T>G on transcript NM_000218.3 (MANE Select); 5130 bases into the intron before coding-DNA position 1394, T replaced by G.
Molecular consequence: intron variant. On other transcripts: non-coding transcript variant (1).
Genome position (GRCh38, 1-based): chr11:2,656,831, T>G. VCF-style: chr11-2656831-T-G. GRCh37 (hg19) VCF-style: chr11-2678061-T-G.
Other names: c.1124-5130T>G (NM_001406837.1); c.1298-5130T>G (NM_001406836.1); c.854-5130T>G (NM_001406838.1); c.1013-5130T>G (NM_181798.2).
Identifiers: ClinVar variation 4681710 (VCV004681710.5).
Genomic context (GRCh38, chr11:2,656,831, plus strand): 5'-AAAAAAACCATCCTAATGCTGATGTCATTAAGATATTCTTCTATATTCAGTCATGTGACC[T>G]TTATAGTTATGCTTTTCATAGTTAGGTCTTCAATCCCCTAGAATGACAAGAATGAATTTT-3'

ClinVar aggregate classification (germline): Likely benign (1 of 4 stars; one submission).

gnomAD v4.1: 40 of 398,626 alleles (0.01%); highest among the groups gnomAD compares: South Asian, 0.5%; 2 homozygotes.

Submission:

CeGaT Center for Human Genetics Tuebingen
Classification: Likely benign. Last evaluated: 2025-12-01. Review status: criteria provided, single submitter. Criteria: CeGaT Center For Human Genetics Tuebingen Variant Classification Criteria Version 2. Collection method: clinical testing. Allele origin: germline. Affected: yes. Observed: 1 variant allele.
Comment: KCNQ1OT1: BS2